The following is an entry in ClinVar:

NM_000407.5(GP1BB):c.222G>T (p.Leu74=)

Genes: GP1BB (glycoprotein Ib platelet subunit beta; plus strand), SEPT5-GP1BB (SEPT5-GP1BB readthrough; plus strand). Cytogenetic location: 22q11.21.
Variant type: single nucleotide variant.
Coding change: c.222G>T on transcript NM_000407.5 (MANE Select); coding-DNA position 222, G replaced by T.
Protein change: p.Leu74=; no amino-acid change (leucine 74 retained).
Molecular consequence: synonymous variant. On other transcripts: non-coding transcript variant (2).
Genome position (GRCh38, 1-based): chr22:19,724,065, G>T. VCF-style: chr22-19724065-G-T. GRCh37 (hg19) VCF-style: chr22-19711588-G-T.
Other names: p.Leu74=.
Identifiers: ClinVar variation 4684466 (VCV004684466.1).

ClinVar aggregate classification (germline): Likely benign (1 of 4 stars; one submission).

gnomAD v4.1: 8 of 1,503,350 alleles (0.00053%); highest among the groups gnomAD compares: Admixed American, 0.015%; no homozygotes.

Submission:

Mayo Clinic Laboratories, Mayo Clinic
Classification: Likely benign. Last evaluated: 2024-10-10. Review status: criteria provided, single submitter. Criteria: ACMG Guidelines, 2015. Collection method: clinical testing. Allele origin: germline. Observed: 1 variant allele.
Comment: BP4, BP7, PM2_supporting